The following is an entry in ClinVar:

ClinVar aggregate classification (germline): Uncertain significance. Review status: criteria provided, multiple submitters, no conflicts (2 of 4 stars). 3 submissions from 3 submitters: Uncertain significance (3). Last evaluated 2025-10-09.

Conditions:
Inborn genetic diseases. Identifiers: MedGen C0950123, MeSH D030342.
HOXA2-related disorder. Also called: HOXA2-related condition.
Bilateral microtia-deafness-cleft palate syndrome. Identifiers: Orphanet 140963, MedGen C2676772, MONDO:0012854, OMIM 612290.

Allele frequency attached by ClinVar (database versions not stated): gnomAD exomes 0.00017 and 0.00051; ExAC 0.00021; TOPMed 0.00022; gnomAD 0.00025 and 0.00026; ESP Exome Variant Server 0.00039.

Submissions (3):

PreventionGenetics, part of Exact Sciences
Classification: Uncertain significance for HOXA2-related condition. Last evaluated: 2025-10-09. Review status: criteria provided, single submitter. Criteria: ACMG Guidelines, 2015. Collection method: clinical testing. Allele origin: germline.
Comment: The HOXA2 c.394T>A variant is predicted to result in the amino acid substitution p.Ser132Thr. To our knowledge, this variant has not been reported in the literature. This variant is reported in 0.035% of alleles in individuals of European (Non-Finnish) descent in gnomAD. At this time, the clinical significance of this variant is uncertain due to the absence of conclusive functional and genetic evidence.

Ambry Genetics
Classification: Uncertain significance for Inborn genetic diseases. Last evaluated: 2023-02-23. Review status: criteria provided, single submitter. Criteria: Ambry Variant Classification Scheme 2023. Collection method: clinical testing. Allele origin: germline.

Illumina Laboratory Services, Illumina
Classification: Uncertain significance for Bilateral microtia-deafness-cleft palate syndrome. Last evaluated: 2018-01-12. Review status: criteria provided, single submitter. Criteria: ICSL Variant Classification Criteria 13 December 2019. Collection method: clinical testing. Allele origin: germline.

NM_006735.4(HOXA2):c.394T>A (p.Ser132Thr)

Gene: HOXA2 (homeobox A2; minus strand). Cytogenetic location: 7p15.2.
Variant type: single nucleotide variant.
Coding change: c.394T>A on transcript NM_006735.4 (MANE Select); coding-DNA position 394, T replaced by A.
Protein change: p.Ser132Thr; replaces serine 132 with threonine.
Molecular consequence: missense variant.
Genome position (GRCh38, 1-based): chr7:27,101,463, A>T on the plus strand (T>A on the coding strand, the complement: HOXA2 is on the minus strand). VCF-style: chr7-27101463-A-T. GRCh37 (hg19) VCF-style: chr7-27141082-A-T.
Other names: short protein forms S132T.
Identifiers: ClinVar variation 359982 (VCV000359982.8), dbSNP rs139504171, ClinGen allele CA4196205.
Genomic context (GRCh38, chr7:27,101,463, plus strand): 5'-TGGTGTAAGCAGTTCTCAGGCGCCGCGATCCCCCGCCGCTGCCATCGGCGATTTCCAGGG[A>T]TTCTGCGGAAAGGGAAACCAACAAGAGACACACGCACAGTTGGAGGTGGAGGGGTCCGAG-3'
Protein context (NP_006726.1, residues 122-142): TGPACLSHKE[Ser132Thr]LEIADGSGGG